The following is an entry in ClinVar:

NM_013444.4(UBQLN2):c.1040G>A (p.Ser347Asn)

Gene: UBQLN2 (ubiquilin 2; plus strand). Cytogenetic location: Xp11.21.
Variant type: single nucleotide variant.
Coding change: c.1040G>A on transcript NM_013444.4 (MANE Select); coding-DNA position 1040, G replaced by A.
Protein change: p.Ser347Asn; replaces serine 347 with asparagine.
Molecular consequence: missense variant.
Genome position (GRCh38, 1-based): chrX:56,564,913, G>A. VCF-style: chrX-56564913-G-A. GRCh37 (hg19) VCF-style: chrX-56591346-G-A.
Other names: short protein forms S347N.
Identifiers: ClinVar variation 1921443 (VCV001921443.5), dbSNP rs910581069, ClinGen allele CA330041876.

ClinVar aggregate classification (germline): Uncertain significance (1 of 4 stars; one submission).

Conditions:
Amyotrophic lateral sclerosis type 15. Also called: AMYOTROPHIC LATERAL SCLEROSIS 15 WITH FRONTOTEMPORAL DEMENTIA. Identifiers: Orphanet 803, MedGen C3275459, MONDO:0010459, OMIM 300857.

Allele frequency attached by ClinVar (database versions not stated): gnomAD 0.00001; TOPMed 0.00002.
gnomAD v4.1: 1 of 1,209,103 alleles (0.000083%); highest among the groups gnomAD compares: African/African-American, 0.0018%; no homozygotes.

Submission:

Labcorp Genetics (formerly Invitae), Labcorp
Classification: Uncertain significance for Amyotrophic lateral sclerosis type 15. Last evaluated: 2022-07-07. Review status: criteria provided, single submitter. Criteria: Invitae Variant Classification Sherloc (09022015). Collection method: clinical testing. Allele origin: germline.
Comment: In summary, the available evidence is currently insufficient to determine the role of this variant in disease. Therefore, it has been classified as a Variant of Uncertain Significance. Algorithms developed to predict the effect of missense changes on protein structure and function output the following: SIFT: "Not Available"; PolyPhen-2: "Benign"; Align-GVGD: "Not Available". The asparagine amino acid residue is found in multiple mammalian species, which suggests that this missense change does not adversely affect protein function. This variant has not been reported in the literature in individuals affected with UBQLN2-related conditions. This variant is present in population databases (no rsID available, gnomAD 0.02%). This sequence change replaces serine, which is neutral and polar, with asparagine, which is neutral and polar, at codon 347 of the UBQLN2 protein (p.Ser347Asn).